The following is an entry in ClinVar:

NM_006531.5(IFT88):c.210G>A (p.Gly70=)

Gene: IFT88 (intraflagellar transport 88; plus strand). Cytogenetic location: 13q12.11.
Variant type: single nucleotide variant.
Coding change: c.210G>A on transcript NM_006531.5 (MANE Select); coding-DNA position 210, G replaced by A.
Protein change: p.Gly70=; no amino-acid change (glycine 70 retained).
Molecular consequence: synonymous variant. On other transcripts: 5 prime UTR variant (1), non-coding transcript variant (3), intron variant (4).
Genome position (GRCh38, 1-based): chr13:20,589,867, G>A. VCF-style: chr13-20589867-G-A. GRCh37 (hg19) VCF-style: chr13-21164006-G-A.
Other names: c.237G>A, p.Gly79= (NM_001318493.2, NM_001353565.2, NM_001353566.2 and 6 more transcripts); c.210G>A, p.Gly70= (NM_001353568.2, NM_001353571.2, NM_001353572.2 and 1 more transcripts); c.-354G>A (NM_001353579.2); c.154-1100G>A (NM_001353575.2, NM_001318491.2, NM_001353573.2 and 1 more transcripts).
Identifiers: ClinVar variation 2959039 (VCV002959039.3), dbSNP rs145344536, ClinGen allele CA246516479.

ClinVar aggregate classification (germline): Uncertain significance (1 of 4 stars; one submission).

Allele frequency attached by ClinVar (database versions not stated): gnomAD exomes 0.00001; TOPMed 0.00002; gnomAD 0.00003; ESP Exome Variant Server 0.00008.
gnomAD v4.1: 24 of 1,590,862 alleles (0.0015%); highest among the groups gnomAD compares: Non-Finnish European, 0.002%; no homozygotes.

Submission:

Labcorp Genetics (formerly Invitae), Labcorp
Classification: Uncertain significance. Last evaluated: 2024-12-19. Review status: criteria provided, single submitter. Criteria: Invitae Variant Classification Sherloc (09022015). Collection method: clinical testing. Allele origin: germline.
Comment: This sequence change affects codon 79 of the IFT88 mRNA. It is a 'silent' change, meaning that it does not change the encoded amino acid sequence of the IFT88 protein. This variant also falls at the last nucleotide of exon 6, which is part of the consensus splice site for this exon. This variant is present in population databases (rs145344536, gnomAD 0.004%). This variant has not been reported in the literature in individuals affected with IFT88-related conditions. ClinVar contains an entry for this variant (Variation ID: 2959039). Variants that disrupt the consensus splice site are a relatively common cause of aberrant splicing (PMID: 17576681, 9536098). Algorithms developed to predict the effect of sequence changes on RNA splicing suggest that this variant may disrupt the consensus splice site. In summary, the available evidence is currently insufficient to determine the role of this variant in disease. Therefore, it has been classified as a Variant of Uncertain Significance.

Literature cited by the submitters: PubMed 17576681; PubMed 9536098.